The following is an entry in ClinVar:

NM_025132.4(WDR19):c.3112C>T (p.Arg1038Ter)

Gene: WDR19 (WD repeat domain 19; plus strand). Cytogenetic location: 4p14.
Variant type: single nucleotide variant.
Coding change: c.3112C>T on transcript NM_025132.4 (MANE Select); coding-DNA position 3112, C replaced by T.
Protein change: p.Arg1038Ter; replaces arginine 1038 with a stop codon.
Molecular consequence: nonsense.
Genome position (GRCh38, 1-based): chr4:39,255,958, C>T. VCF-style: chr4-39255958-C-T. GRCh37 (hg19) VCF-style: chr4-39257578-C-T.
Other names: c.2632C>T, p.Arg878Ter (NM_001317924.2); short protein forms R1038*, R878*.
Identifiers: ClinVar variation 632440 (VCV000632440.16), dbSNP rs748174246, ClinGen allele CA2892256.

ClinVar aggregate classification (germline): Pathogenic/Likely pathogenic. Review status: criteria provided, multiple submitters, no conflicts (2 of 4 stars). 4 submissions from 4 submitters: Pathogenic (2); Likely pathogenic (2). Last evaluated 2025-11-27.

Conditions:
Senior-Loken syndrome 8 (SLSN8). Identifiers: Orphanet 3156, MedGen C4225376, MONDO:0014579, OMIM 616307.
Asphyxiating thoracic dystrophy 5 (SRTD5). Also called: SHORT-RIB THORACIC DYSPLASIA 5 WITH OR WITHOUT POLYDACTYLY; SHORT-RIB THORACIC DYSPLASIA 5 WITHOUT POLYDACTYLY. Identifiers: Orphanet 474, MedGen C3280598, MONDO:0013717, OMIM 614376.
Ciliopathy. Also called: Ciliopathies. Identifiers: Orphanet 363250, MedGen C4277690, MONDO:0005308, MeSH D000072661.
WDR19-related disorder. Also called: WDR19-related condition; WDR19-related disorders. Identifiers: MedGen CN380161.

Allele frequency attached by ClinVar (database versions not stated): ExAC 0.00002; gnomAD exomes 0.00002.
gnomAD v4.1: 12 of 1,519,910 alleles (0.00079%); highest among the groups gnomAD compares: South Asian, 0.0047%; no homozygotes.

Submissions (4):

Dasa
Classification: Likely pathogenic for ciliopathy. Last evaluated: 2025-11-27. Review status: criteria provided, single submitter. Criteria: DASA Assertion Criteria. Collection method: clinical testing. Allele origin: germline.
Comment: NM_025132.4(WDR19):c.3112C>T (p.Arg1038*) is a nonsense variant in WDR19 predicted to introduce a premature termination codon and is predicted to result in an absent or altered protein product. Loss of function is an established disease mechanism for WDR19-associated disorders. Also, this variant is rare in population databases. Based on the currently available evidence, this variant is classified as likely pathogenic.

Labcorp Genetics (formerly Invitae), Labcorp
Classification: Pathogenic for Senior-Loken syndrome 8; Asphyxiating thoracic dystrophy 5. Last evaluated: 2025-05-30. Review status: criteria provided, single submitter. Criteria: Invitae Variant Classification Sherloc (09022015). Collection method: clinical testing. Allele origin: germline.
Comment: This sequence change creates a premature translational stop signal (p.Arg1038*) in the WDR19 gene. It is expected to result in an absent or disrupted protein product. Loss-of-function variants in WDR19 are known to be pathogenic (PMID: 22019273, 23559409, 23683095, 26275793, 27241786, 29068549). This variant is present in population databases (rs748174246, gnomAD 0.007%). This premature translational stop signal has been observed in individual(s) with WDR19-related conditions (PMID: 29801666). ClinVar contains an entry for this variant (Variation ID: 632440). Algorithms developed to predict the effect of sequence changes on RNA splicing suggest that this variant may disrupt the consensus splice site. For these reasons, this variant has been classified as Pathogenic.

Blueprint Genetics
Classification: Likely pathogenic for WDR19-related disorders. Last evaluated: 2024-01-31. Review status: criteria provided, single submitter. Criteria: ACMG Guidelines, 2015. Collection method: clinical testing. Allele origin: germline. Affected: yes. Observed: 1 variant allele.

Molecular Biology Laboratory, Fundació Puigvert
Classification: Pathogenic for Senior-Loken syndrome 8. Last evaluated: 2020-02-01. Review status: criteria provided, single submitter. Criteria: ACMG Guidelines, 2015. Collection method: research. Allele origin: germline. Affected: yes. Study: KidneyPanel_2020.

Literature cited by the submitters: PubMed 22019273 (cited by Labcorp Genetics (formerly Invitae), Labcorp); PubMed 23559409 (cited by Labcorp Genetics (formerly Invitae), Labcorp); PubMed 23683095 (cited by Labcorp Genetics (formerly Invitae), Labcorp); PubMed 26275793 (cited by Labcorp Genetics (formerly Invitae), Labcorp); PubMed 27241786 (cited by Labcorp Genetics (formerly Invitae), Labcorp); PubMed 29068549 (cited by Labcorp Genetics (formerly Invitae), Labcorp); PubMed 29801666 (cited by Labcorp Genetics (formerly Invitae), Labcorp); PubMed 33532864 (cited by Molecular Biology Laboratory, Fundació Puigvert).